The following is an entry in ClinVar:

NM_000787.4(DBH):c.818T>C (p.Met273Thr)

Gene: DBH (dopamine beta-hydroxylase; plus strand). Cytogenetic location: 9q34.2.
Variant type: single nucleotide variant.
Coding change: c.818T>C on transcript NM_000787.4 (MANE Select); coding-DNA position 818, T replaced by C.
Protein change: p.Met273Thr; replaces methionine 273 with threonine.
Molecular consequence: missense variant.
Genome position (GRCh38, 1-based): chr9:133,643,486, T>C. VCF-style: chr9-133643486-T-C. GRCh37 (hg19) VCF-style: chr9-136508608-T-C.
Other names: short protein forms M273T.
Identifiers: ClinVar variation 4691435 (VCV004691435.1).

ClinVar aggregate classification (germline): Uncertain significance (1 of 4 stars; one submission).

Conditions:
Orthostatic hypotension 1 (ORTHYP1). Also called: NORADRENALINE DEFICIENCY; NOREPINEPHRINE DEFICIENCY; Dopamine beta-hydroxylase deficiency; Orthostatic hypotension 1, due to DBH deficiency. Identifiers: Orphanet 230, MedGen C4746777, MONDO:0009123, OMIM 223360.

gnomAD v4.1: 2 of 1,612,830 alleles (0.00012%); highest among the groups gnomAD compares: Non-Finnish European, 0.00017%; no homozygotes.

Submission:

Labcorp Genetics (formerly Invitae), Labcorp
Classification: Uncertain significance for Orthostatic hypotension 1. Last evaluated: 2025-07-13. Review status: criteria provided, single submitter. Criteria: Invitae Variant Classification Sherloc (09022015). Collection method: clinical testing. Allele origin: germline.
Comment: This sequence change replaces methionine, which is neutral and non-polar, with threonine, which is neutral and polar, at codon 273 of the DBH protein (p.Met273Thr). This variant is not present in population databases (gnomAD no frequency). This variant has not been reported in the literature in individuals affected with DBH-related conditions. Invitae Evidence Modeling of protein sequence and biophysical properties (such as structural, functional, and spatial information, amino acid conservation, physicochemical variation, residue mobility, and thermodynamic stability) indicates that this missense variant is not expected to disrupt DBH protein function with a negative predictive value of 80%. In summary, the available evidence is currently insufficient to determine the role of this variant in disease. Therefore, it has been classified as a Variant of Uncertain Significance.